The following is an entry in ClinVar:

NM_000371.4(TTR):c.157T>C (p.Phe53Leu)

Gene: TTR (transthyretin; plus strand). Cytogenetic location: 18q12.1.
Variant type: single nucleotide variant.
Coding change: c.157T>C on transcript NM_000371.4 (MANE Select); coding-DNA position 157, T replaced by C.
Protein change: p.Phe53Leu; replaces phenylalanine 53 with leucine.
Molecular consequence: missense variant.
Genome position (GRCh38, 1-based): chr18:31,592,983, T>C. VCF-style: chr18-31592983-T-C. GRCh37 (hg19) VCF-style: chr18-29172946-T-C.
Other names: F33L; short protein forms F53L.
Identifiers: ClinVar variation 13456 (VCV000013456.23), dbSNP rs121918068, ClinGen allele CA256851.

ClinVar aggregate classification (germline): Pathogenic. Review status: criteria provided, multiple submitters, no conflicts (2 of 4 stars). 7 submissions from 7 submitters: Pathogenic (6). 1 of the submissions does not count toward it. Last evaluated 2025-10-03.

Conditions:
Cardiovascular phenotype. Identifiers: MedGen CN230736.
Amyloidosis, hereditary systemic 1 (AMYLD1). Also called: Transthyretin Amyloidosis; Hereditary Transthyretin Amyloidosis; Isolated Cardiac Amyloidosis; Amyloid Cardiomyopathy, Transthyretin-related; Familial amyloid polyneuropathy; Hereditary oculoleptomeningeal amyloid angiopathy. Identifiers: Orphanet 85447, Orphanet 85451, MedGen C2751492, MONDO:0971004, OMIM 105210.

Submissions (7):

Mayo Clinic Laboratories, Mayo Clinic
Classification: Pathogenic. Last evaluated: 2025-10-03. Review status: criteria provided, single submitter. Criteria: ACMG Guidelines, 2015. Collection method: clinical testing. Allele origin: germline. Observed: 1 variant allele.
Comment: PP1_strong, PP2, PP3_moderate, PP4, PM2_supporting, PM5, PS3_supporting, PS4_moderate

ARUP Laboratories, Molecular Genetics and Genomics, ARUP Laboratories
Classification: Pathogenic. Last evaluated: 2025-03-12. Review status: criteria provided, single submitter. Criteria: ARUP Molecular Germline Variant Investigation Process 2024. Collection method: clinical testing. Allele origin: germline.
Comment: The TTR c.157T>C; p.Phe53Leu variant (rs121918068, ClinVar Variation ID 13456), also known as p.Phe33Leu in legacy nomenclature, is reported in the literature in individuals affected with TTR amyloidosis (Altland 2007, Du 2021, Ii 1991, Suhr 2016). This variant is absent from the Genome Aggregation Database (v2.1.1), indicating it is not a common polymorphism. Functional analyses of the variant protein show altered multimerization properties (Altland 2007). Additionally, other amino acid substitutions at this codon (Phe53Val, Phe53Cys, Phe53Ile) have been reported in individuals with TTR amyloidosis and are considered disease-causing (Altland 2007, Du 2021, Suhr 2016). Computational analyses predict that this variant is deleterious (REVEL: 0.787). Based on available information, this c.157T>C; p.Phe53Leu variant is considered to be pathogenic. References: Altland K et al. Genetic microheterogeneity of human transthyretin detected by IEF. Electrophoresis. 2007 Jun;28(12):2053-64. PMID: 17503405. Du K et al. Hereditary transthyretin amyloidosis in mainland China: a unicentric retrospective study. Ann Clin Transl Neurol. 2021 Apr;8(4):831-841. Epub 2021 Mar 19. PMID: 33739616. Ii S et al. Two-tiered DNA-based diagnosis of transthyretin amyloidosis reveals two novel point mutations. Neurology. 1991 Jun;41(6):893-8. PMID: 2046936 Suhr OB et al; FAPWTR's investigators. Survival After Transplantation in Patients With Mutations Other Than Val30Met: Extracts From the FAP World Transplant Registry. Transplantation. 2016 Feb;100(2):373-81. PMID: 26656838

Labcorp Genetics (formerly Invitae), Labcorp
Classification: Pathogenic for Amyloidosis, hereditary systemic 1. Last evaluated: 2024-12-16. Review status: criteria provided, single submitter. Criteria: Invitae Variant Classification Sherloc (09022015). Collection method: clinical testing. Allele origin: germline.
Comment: This sequence change replaces phenylalanine, which is neutral and non-polar, with leucine, which is neutral and non-polar, at codon 53 of the TTR protein (p.Phe53Leu). This variant is not present in population databases (gnomAD no frequency). This missense change has been observed in individuals with hereditary transthyretin-mediated (hATTR) amyloidosis (PMID: 1932142, 2046936, 9798666, 17503405, 20209591, 23713495). This variant is also known as Phe33Leu (F33L). ClinVar contains an entry for this variant (Variation ID: 13456). Invitae Evidence Modeling of protein sequence and biophysical properties (such as structural, functional, and spatial information, amino acid conservation, physicochemical variation, residue mobility, and thermodynamic stability) indicates that this missense variant is expected to disrupt TTR protein function with a positive predictive value of 95%. This variant disrupts the p.Phe53 amino acid residue in TTR. Other variant(s) that disrupt this residue have been determined to be pathogenic (PMID: 15478468, 17503405, 20558946, 22745357). This suggests that this residue is clinically significant, and that variants that disrupt this residue are likely to be disease-causing. For these reasons, this variant has been classified as Pathogenic.

Ambry Genetics
Classification: Pathogenic for Cardiovascular phenotype. Last evaluated: 2023-01-10. Review status: criteria provided, single submitter. Criteria: Ambry Variant Classification Scheme 2023. Collection method: clinical testing. Allele origin: germline.
Comment: The p.F53L pathogenic mutation (also known as c.157T>C), located in coding exon 2 of the TTR gene, results from a T to C substitution at nucleotide position 157. The phenylalanine at codon 53 is replaced by leucine, an amino acid with highly similar properties. This variant has been identified in individuals of Polish, Swedish, Ashkenazi Jewish, and Asian ancestry with symptoms of familial amyloidotic polyneuropathy (Harding J et al. Biochim Biophys Acta. 1991; 1097(3):183-6; Holmgren G et al. Amyloid. 2005; 12(3):189-92; Leibou L et al. Isr Med Assoc J. 2012; 14(11):662-5; Chen CH et al. J Formos Med Assoc. 2014; 113(8):575-6). A functional study of urea gradients found this alteration resulted in decreased conformational stability of the monomer molecule (Altland K et al. Electrophoresis. 2007; 28(12):2053-64). This variant is considered to be rare based on population cohorts in the Genome Aggregation Database (gnomAD). In addition, this alteration is predicted to be deleterious by BayesDel in silico analysis. Based on the supporting evidence, this alteration is interpreted as a disease-causing mutation.

GeneDx
Classification: Pathogenic. Last evaluated: 2023-01-09. Review status: criteria provided, single submitter. Criteria: GeneDx Variant Classification Process June 2021. Collection method: clinical testing. Allele origin: germline. Affected: yes.
Comment: Not observed at significant frequency in large population cohorts (gnomAD); In silico analysis supports that this missense variant has a deleterious effect on protein structure/function; Published functional studies demonstrate a damaging effect; the variant destabilizes TTR monomers (Altland et al., 2007); This variant is associated with the following publications: (PMID: 9798666, 26521788, 31932463, 1932142, 20209591, 2046936, 33373035, 32789836, 34440326, 33739616, 23713495, 17503405)

Athena Diagnostics
Classification: Pathogenic. Last evaluated: 2022-07-20. Review status: criteria provided, single submitter. Criteria: Athena Diagnostics Criteria. Collection method: clinical testing. Allele origin: unknown.
Comment: This variant has been identified in multiple individuals with transthyretin-related amyloidosis and/or amyloid cardiomyopathy. In some published literature, this variant is referred to as Phe33Leu. This variant has not been reported in large, multi-ethnic general populations. Computational tools predict this variant is damaging.

OMIM
Classification: Pathogenic for AMYLOIDOSIS, HEREDITARY SYSTEMIC 1. Last evaluated: 1998-11-01. Review status: no assertion criteria provided. Collection method: literature only. Allele origin: germline. Not counted in ClinVar's aggregate classification.

Literature cited by the submitters: PubMed 15478468 (cited by Mayo Clinic Laboratories, Mayo Clinic and Labcorp Genetics (formerly Invitae), Labcorp); PubMed 16194875 (cited by Mayo Clinic Laboratories, Mayo Clinic and Ambry Genetics); PubMed 17503405 (cited by 4 submitters); PubMed 1932142 (cited by 4 submitters); PubMed 20209591 (cited by 3 submitters); PubMed 2046936 (cited by 5 submitters); PubMed 23240369 (cited by Mayo Clinic Laboratories, Mayo Clinic and Ambry Genetics); PubMed 23713495 (cited by 3 submitters); PubMed 25037766 (cited by Mayo Clinic Laboratories, Mayo Clinic and Ambry Genetics); PubMed 26521788 (cited by 3 submitters); PubMed 27859927 (cited by Mayo Clinic Laboratories, Mayo Clinic and Ambry Genetics); PubMed 31932463 (cited by Mayo Clinic Laboratories, Mayo Clinic and Athena Diagnostics); PubMed 33373035 (cited by Mayo Clinic Laboratories, Mayo Clinic and Athena Diagnostics); PubMed 33739616 (cited by Mayo Clinic Laboratories, Mayo Clinic); PubMed 34440326 (cited by Mayo Clinic Laboratories, Mayo Clinic and Athena Diagnostics); PubMed 35549533 (cited by Mayo Clinic Laboratories, Mayo Clinic); PubMed 39470417 (cited by Mayo Clinic Laboratories, Mayo Clinic); PubMed 40643127 (cited by Mayo Clinic Laboratories, Mayo Clinic); PubMed 9798666 (cited by 3 submitters); PubMed 20558946 (cited by Labcorp Genetics (formerly Invitae), Labcorp); PubMed 22745357 (cited by Labcorp Genetics (formerly Invitae), Labcorp); PubMed 16448460 (cited by Ambry Genetics); PubMed 32789836 (cited by Athena Diagnostics).